The following is an entry in ClinVar:

NM_001349338.3(FOXP1):c.910G>T (p.Gly304Ter)

Gene: FOXP1 (forkhead box P1; minus strand). Cytogenetic location: 3p13.
Variant type: single nucleotide variant.
Coding change: c.910G>T on transcript NM_001349338.3 (MANE Select); coding-DNA position 910, G replaced by T.
Protein change: p.Gly304Ter; replaces glycine 304 with a stop codon.
Molecular consequence: nonsense. On other transcripts: non-coding transcript variant (2).
Genome position (GRCh38, 1-based): chr3:71,015,613, C>A on the plus strand (G>T on the coding strand, the complement: FOXP1 is on the minus strand). VCF-style: chr3-71015613-C-A. GRCh37 (hg19) VCF-style: chr3-71064764-C-A.
Other names: c.910G>T, p.Gly304Ter (NM_001244808.3, NM_001244810.2, NM_001244814.3 and 4 more transcripts); c.682G>T, p.Gly228Ter (NM_001244812.3); c.610G>T, p.Gly204Ter (NM_001244813.3, NM_001244815.2, NM_001349342.3 and 1 more transcripts); c.607G>T, p.Gly203Ter (NM_001349337.2, NM_001349343.3, NM_001349344.3); c.907G>T, p.Gly303Ter (NM_001349341.3); short protein forms G203*, G204*, G228*, G303*, G304*.
Identifiers: ClinVar variation 2664500 (VCV002664500.1), dbSNP rs2545543007, ClinGen allele CA353562368.

ClinVar aggregate classification (germline): Likely pathogenic (1 of 4 stars; one submission).

Conditions:
Intellectual disability-severe speech delay-mild dysmorphism syndrome (IDDLA). Also called: Mental retardation with language impairment and autistic features; FOXP1 Syndrome; Intellectual developmental disorder with language impairment AND with or without autistic features. Identifiers: Orphanet 391372, MedGen C4013764, MONDO:0013352, OMIM 613670.

Submission:

Klinisk genetik och genomik Research, Gothenburg University
Classification: Likely pathogenic for Intellectual disability-severe speech delay-mild dysmorphism syndrome. Last evaluated: 2023-11-09. Review status: criteria provided, single submitter. Criteria: ACMG Guidelines, 2015. Collection method: research. Allele origin: de novo. Affected: yes.
Comment: Syndromic sagittal craniosynostosis